The following is an entry in ClinVar:

ClinVar aggregate classification (germline): Uncertain significance (1 of 4 stars; one submission).

Submission:

Labcorp Genetics (formerly Invitae), Labcorp
Classification: Uncertain significance. Last evaluated: 2025-03-20. Review status: criteria provided, single submitter. Criteria: Invitae Variant Classification Sherloc (09022015). Collection method: clinical testing. Allele origin: germline.
Comment: This sequence change replaces serine, which is neutral and polar, with cysteine, which is neutral and slightly polar, at codon 4420 of the USH2A protein (p.Ser4420Cys). This variant is not present in population databases (gnomAD no frequency). This variant has not been reported in the literature in individuals affected with USH2A-related conditions. Invitae Evidence Modeling of protein sequence and biophysical properties (such as structural, functional, and spatial information, amino acid conservation, physicochemical variation, residue mobility, and thermodynamic stability) indicates that this missense variant is not expected to disrupt USH2A protein function with a negative predictive value of 95%. In summary, the available evidence is currently insufficient to determine the role of this variant in disease. Therefore, it has been classified as a Variant of Uncertain Significance.

NM_206933.4(USH2A):c.13259C>G (p.Ser4420Cys)

Gene: USH2A (usherin; minus strand). Cytogenetic location: 1q41.
Variant type: single nucleotide variant.
Coding change: c.13259C>G on transcript NM_206933.4 (MANE Select); coding-DNA position 13259, C replaced by G.
Protein change: p.Ser4420Cys; replaces serine 4420 with cysteine.
Molecular consequence: missense variant.
Genome position (GRCh38, 1-based): chr1:215,674,652, G>C on the plus strand (C>G on the coding strand, the complement: USH2A is on the minus strand). VCF-style: chr1-215674652-G-C. GRCh37 (hg19) VCF-style: chr1-215847994-G-C.
Other names: short protein forms S4420C.
Identifiers: ClinVar variation 4708856 (VCV004708856.1).